The following is an entry in ClinVar:

ClinVar aggregate classification (germline): Uncertain significance. Review status: criteria provided, multiple submitters, no conflicts (2 of 4 stars). 2 submissions from 2 submitters: Uncertain significance (2). Last evaluated 2024-05-03.

Conditions:
Emery-Dreifuss muscular dystrophy 4, autosomal dominant (EDMD4). Also called: EMERY-DREIFUSS MUSCULAR DYSTROPHY 4 WITH VARIABLE FEATURES. Identifiers: Orphanet 261, MedGen C2751807, MONDO:0013071, OMIM 612998.
Autosomal recessive ataxia, Beauce type. Also called: SYNE1-Related Autosomal Recessive Cerebellar Ataxia; Spinocerebellar ataxia, autosomal recessive 8; ATAXIA, RECESSIVE, OF BEAUCE; SYNE1 Deficiency. Identifiers: Orphanet 88644, MedGen C1853116, MONDO:0012549, OMIM 610743.

Allele frequency attached by ClinVar (database versions not stated): TOPMed 0.00002.
gnomAD v4.1: 6 of 1,613,682 alleles (0.00037%); highest among the groups gnomAD compares: African/African-American, 0.0013%; no homozygotes.

Submissions (2):

Labcorp Genetics (formerly Invitae), Labcorp
Classification: Uncertain significance for Emery-Dreifuss muscular dystrophy 4, autosomal dominant; Autosomal recessive ataxia, Beauce type. Last evaluated: 2024-05-03. Review status: criteria provided, single submitter. Criteria: Invitae Variant Classification Sherloc (09022015). Collection method: clinical testing. Allele origin: germline.
Comment: This sequence change replaces proline, which is neutral and non-polar, with alanine, which is neutral and non-polar, at codon 8182 of the SYNE1 protein (p.Pro8182Ala). This variant is not present in population databases (gnomAD no frequency). This variant has not been reported in the literature in individuals affected with SYNE1-related conditions. ClinVar contains an entry for this variant (Variation ID: 586727). An algorithm developed to predict the effect of missense changes on protein structure and function (PolyPhen-2) suggests that this variant is likely to be disruptive. Algorithms developed to predict the effect of sequence changes on RNA splicing suggest that this variant may create or strengthen a splice site. In summary, the available evidence is currently insufficient to determine the role of this variant in disease. Therefore, it has been classified as a Variant of Uncertain Significance.

Athena Diagnostics
Classification: Uncertain significance. Last evaluated: 2020-10-26. Review status: criteria provided, single submitter. Criteria: Athena Diagnostics criteria. Collection method: clinical testing. Allele origin: unknown.

NM_182961.4(SYNE1):c.24757C>G (p.Pro8253Ala)

Gene: SYNE1 (spectrin repeat containing nuclear envelope protein 1; minus strand). Cytogenetic location: 6q25.2.
Variant type: single nucleotide variant.
Coding change: c.24757C>G on transcript NM_182961.4 (MANE Select); coding-DNA position 24757, C replaced by G.
Protein change: p.Pro8253Ala; replaces proline 8253 with alanine.
Molecular consequence: missense variant.
Genome position (GRCh38, 1-based): chr6:152,148,264, G>C on the plus strand (C>G on the coding strand, the complement: SYNE1 is on the minus strand). VCF-style: chr6-152148264-G-C. GRCh37 (hg19) VCF-style: chr6-152469399-G-C.
Other names: c.1363C>G, p.Pro455Ala (NM_001347701.2); c.1222C>G, p.Pro408Ala (NM_001347702.2); c.24544C>G, p.Pro8182Ala (NM_033071.5); short protein forms P8182A, P8253A, P408A, P455A.
Identifiers: ClinVar variation 586727 (VCV000586727.6), dbSNP rs952705892, ClinGen allele CA150173327.
Genomic context (GRCh38, chr6:152,148,264, plus strand): 5'-CTCGTCCTGACCGCTCGCTCCGGAGGGGCTGAGCGAGCGAGAGGGAGAGATTGGAGGAAG[G>C]CTGTGGAGAAAGCAGGCTGTCTGCAGAGCGGTCGTGCCAGTGCAGGTCCGACAGAGCTGC-3'
Protein context (NP_892006.3, residues 8243-8263): RSADSLLSPQ[Pro8253Ala]SSNLSLSLAQ